The following is an entry in ClinVar:

ClinVar aggregate classification (germline): Likely benign (1 of 4 stars; one submission).

Submission:

GeneDx
Classification: Likely benign. Last evaluated: 2016-03-11. Review status: criteria provided, single submitter. Criteria: GeneDx Variant Classification (06012015). Collection method: clinical testing. Allele origin: germline. Affected: yes.
Comment: This variant is considered likely benign or benign based on one or more of the following criteria: it is a conservative change, it occurs at a poorly conserved position in the protein, it is predicted to be benign by multiple in silico algorithms, and/or has population frequency not consistent with disease.

NM_004046.6(ATP5F1A):c.-65C>T

Genes: ATP5F1A (ATP synthase F1 subunit alpha; minus strand), LOC126862738 (BRD4-independent group 4 enhancer GRCh37_chr18:43677662-43678861; plus strand). Cytogenetic location: 18q21.1.
Variant type: single nucleotide variant.
Coding change: c.-65C>T on transcript NM_004046.6 (MANE Select); 65 bases upstream of the start codon, C replaced by T.
Molecular consequence: 5 prime UTR variant. On other transcripts: intron variant (1).
Genome position (GRCh38, 1-based): chr18:46,098,296, G>A on the plus strand (C>T on the coding strand, the complement: ATP5F1A is on the minus strand). VCF-style: chr18-46098296-G-A. GRCh37 (hg19) VCF-style: chr18-43678262-G-A.
Other names: c.-288C>T (NM_001001935.3); c.-65C>T (NM_001257334.2); c.-551C>T (NM_001257335.2); c.-48-17C>T (NM_001001937.2).
Identifiers: ClinVar variation 383919 (VCV000383919.1), dbSNP rs981513694, ClinGen allele CA16608746.